The following is an entry in ClinVar:

NM_014738.6(TMEM94):c.275G>A (p.Arg92His)

Gene: TMEM94 (transmembrane protein 94; plus strand). Cytogenetic location: 17q25.1.
Variant type: single nucleotide variant.
Coding change: c.275G>A on transcript NM_014738.6 (MANE Select); coding-DNA position 275, G replaced by A.
Protein change: p.Arg92His; replaces arginine 92 with histidine.
Molecular consequence: missense variant.
Genome position (GRCh38, 1-based): chr17:75,486,292, G>A. VCF-style: chr17-75486292-G-A. GRCh37 (hg19) VCF-style: chr17-73482373-G-A.
Other names: c.305G>A, p.Arg102His (NM_001321148.2, NM_001351203.2); c.275G>A, p.Arg92His (NM_001321149.2, NM_001351202.2); short protein forms R92H, R102H.
Identifiers: ClinVar variation 2470120 (VCV002470120.27), dbSNP rs143349328, ClinGen allele CA8761412.

ClinVar aggregate classification (germline): Likely benign. Review status: criteria provided, multiple submitters, no conflicts (2 of 4 stars). 3 submissions from 3 submitters: Likely benign (3). Last evaluated 2026-07-01.

Conditions:
Inborn genetic diseases. Identifiers: MedGen C0950123, MeSH D030342.

Allele frequency attached by ClinVar (database versions not stated): 1000 Genomes Project 30x 0.00031; 1000 Genomes Project 0.00040.
gnomAD v4.1: 255 of 1,614,080 alleles (0.016%); highest among the groups gnomAD compares: East Asian, 0.11%; 2 homozygotes.

Submissions (3):

CeGaT Center for Human Genetics Tuebingen
Classification: Likely benign. Last evaluated: 2026-07-01. Review status: criteria provided, single submitter. Criteria: CeGaT Center For Human Genetics Tuebingen Variant Classification Criteria Version 2. Collection method: clinical testing. Allele origin: germline. Affected: yes. Observed: 2 variant alleles.
Comment: TMEM94: BP4

Blueprint Genetics
Classification: Likely benign. Last evaluated: 2024-11-25. Review status: criteria provided, single submitter. Criteria: ACMG Guidelines, 2015. Collection method: clinical testing. Allele origin: germline.

Ambry Genetics
Classification: Likely benign for Inborn genetic diseases. Last evaluated: 2023-02-27. Review status: criteria provided, single submitter. Criteria: Ambry Variant Classification Scheme 2023. Collection method: clinical testing. Allele origin: germline.